The following is an entry in ClinVar:

ClinVar aggregate classification (germline): Uncertain significance (1 of 4 stars; one submission).

Conditions:
Duchenne muscular dystrophy (DMD). Also called: MUSCULAR DYSTROPHY, PSEUDOHYPERTROPHIC PROGRESSIVE, DUCHENNE TYPE; Duchenne Muscular Dystrophy (DMD). Identifiers: Orphanet 98896, MedGen C0013264, MONDO:0010679, OMIM 310200.

Allele frequency attached by ClinVar (database versions not stated): gnomAD 0.00001; TOPMed 0.00001.
gnomAD v4.1: 14 of 1,207,225 alleles (0.0012%); highest among the groups gnomAD compares: African/African-American, 0.0018%; no homozygotes.

Submission:

Labcorp Genetics (formerly Invitae), Labcorp
Classification: Uncertain significance for Duchenne muscular dystrophy. Last evaluated: 2024-10-30. Review status: criteria provided, single submitter. Criteria: Invitae Variant Classification Sherloc (09022015). Collection method: clinical testing. Allele origin: germline.
Comment: This sequence change replaces proline, which is neutral and non-polar, with serine, which is neutral and polar, at codon 1990 of the DMD protein (p.Pro1990Ser). This variant is not present in population databases (gnomAD no frequency). This variant has not been reported in the literature in individuals affected with DMD-related conditions. ClinVar contains an entry for this variant (Variation ID: 1389839). Invitae Evidence Modeling of protein sequence and biophysical properties (such as structural, functional, and spatial information, amino acid conservation, physicochemical variation, residue mobility, and thermodynamic stability) indicates that this missense variant is not expected to disrupt DMD protein function with a negative predictive value of 95%. In summary, the available evidence is currently insufficient to determine the role of this variant in disease. Therefore, it has been classified as a Variant of Uncertain Significance.

NM_004006.3(DMD):c.5968C>T (p.Pro1990Ser)

Gene: DMD (dystrophin; minus strand). Cytogenetic location: Xp21.1.
Variant type: single nucleotide variant.
Coding change: c.5968C>T on transcript NM_004006.3 (MANE Select); coding-DNA position 5968, C replaced by T.
Protein change: p.Pro1990Ser; replaces proline 1990 with serine.
Molecular consequence: missense variant.
Genome position (GRCh38, 1-based): chrX:32,310,231, G>A on the plus strand (C>T on the coding strand, the complement: DMD is on the minus strand). VCF-style: chrX-32310231-G-A. GRCh37 (hg19) VCF-style: chrX-32328348-G-A.
Other names: c.5944C>T, p.Pro1982Ser (NM_000109.4); c.5956C>T, p.Pro1986Ser (NM_004009.3); c.5599C>T, p.Pro1867Ser (NM_004010.3); c.1945C>T, p.Pro649Ser (NM_004011.4); c.1936C>T, p.Pro646Ser (NM_004012.4); short protein forms P1982S, P1986S, P649S, P1867S, P1990S, P646S.
Identifiers: ClinVar variation 1389839 (VCV001389839.5), dbSNP rs1343502927, ClinGen allele CA412670017.